The following is an entry in ClinVar:

ClinVar aggregate classification (germline): Uncertain significance (1 of 4 stars; one submission).

Conditions:
Inborn genetic diseases. Identifiers: MedGen C0950123, MeSH D030342.

gnomAD v4.1: 6 of 1,614,114 alleles (0.00037%); highest among the groups gnomAD compares: South Asian, 0.0055%; no homozygotes.

Submission:

Ambry Genetics
Classification: Uncertain significance for Inborn genetic diseases. Last evaluated: 2025-04-18. Review status: criteria provided, single submitter. Criteria: Ambry Variant Classification Scheme 2023. Collection method: clinical testing. Allele origin: germline.
Comment: The c.543G>A variant (also known as p.K181K), located in coding exon 6 of the DDX41 gene, results from a G to A substitution at nucleotide position 543. This nucleotide substitution does not change the lysine at codon 181. This nucleotide position is not well conserved in available vertebrate species. In silico splice site analysis predicts that this alteration may result in the creation or strengthening of a novel splice donor site. Based on the available evidence, the clinical significance of this variant remains unclear.

NM_016222.4(DDX41):c.543G>A (p.Lys181=)

Gene: DDX41 (DEAD-box helicase 41; minus strand). Cytogenetic location: 5q35.3.
Variant type: single nucleotide variant.
Coding change: c.543G>A on transcript NM_016222.4 (MANE Select); coding-DNA position 543, G replaced by A.
Protein change: p.Lys181=; no amino-acid change (lysine 181 retained).
Molecular consequence: synonymous variant.
Genome position (GRCh38, 1-based): chr5:177,515,713, C>T on the plus strand (G>A on the coding strand, the complement: DDX41 is on the minus strand). VCF-style: chr5-177515713-C-T. GRCh37 (hg19) VCF-style: chr5-176942714-C-T.
Other names: c.165G>A, p.Lys55= (NM_001321732.2, NM_001321830.2).
Identifiers: ClinVar variation 4010299 (VCV004010299.1).